The following is an entry in ClinVar:

ClinVar aggregate classification (germline): Benign/Likely benign. Review status: criteria provided, multiple submitters, no conflicts (2 of 4 stars). 8 submissions from 8 submitters: Benign (7); Likely benign (1). Last evaluated 2026-02-04.

Conditions:
Primary ciliary dyskinesia. Also called: Ciliary dyskinesia. Identifiers: Orphanet 244, MedGen C0008780, MONDO:0016575, HP:0012265.
Primary ciliary dyskinesia 18. Also called: CILIARY DYSKINESIA, PRIMARY, 18, WITH OR WITHOUT SITUS INVERSUS. Identifiers: Orphanet 244, MedGen C3543825, MONDO:0013940, OMIM 614874.

Allele frequency attached by ClinVar (database versions not stated): gnomAD exomes 0.61174 and 0.62336; ExAC 0.62109; ESP Exome Variant Server 0.62694; gnomAD 0.64479 and 0.64560; TOPMed 0.64665; 1000 Genomes Project 30x 0.66864; 1000 Genomes Project 0.66873.
gnomAD v4.1: 992,019 of 1,613,026 alleles (62%); highest among the groups gnomAD compares: African/African-American, 71%; 306,208 homozygotes.

Submissions (8):

Labcorp Genetics (formerly Invitae), Labcorp
Classification: Benign for Primary ciliary dyskinesia. Last evaluated: 2026-02-04. Review status: criteria provided, single submitter. Criteria: Invitae Variant Classification Sherloc (09022015). Collection method: clinical testing. Allele origin: germline.

Blueprint Genetics
Classification: Likely benign. Last evaluated: 2024-11-27. Review status: criteria provided, single submitter. Criteria: ACMG Guidelines, 2015. Collection method: clinical testing. Allele origin: germline.

Mayo Clinic Laboratories, Mayo Clinic
Classification: Benign. Last evaluated: 2022-04-26. Review status: criteria provided, single submitter. Criteria: ACMG Guidelines, 2015. Collection method: clinical testing. Allele origin: germline. Observed: 169 variant alleles.

Genome-Nilou Lab
Classification: Benign for Primary ciliary dyskinesia 18. Last evaluated: 2021-07-14. Review status: criteria provided, single submitter. Criteria: ACMG Guidelines, 2015. Collection method: clinical testing. Allele origin: germline. Affected: no.

GeneDx
Classification: Benign. Last evaluated: 2018-11-12. Review status: criteria provided, single submitter. Criteria: GeneDx Variant Classification Process June 2021. Collection method: clinical testing. Allele origin: germline. Affected: yes.

Ambry Genetics
Classification: Benign for Primary ciliary dyskinesia. Last evaluated: 2016-07-07. Review status: criteria provided, single submitter. Criteria: Ambry Variant Classification Scheme 2023. Collection method: clinical testing. Allele origin: germline.

Laboratory for Molecular Medicine, Mass General Brigham Personalized Medicine
Classification: Benign. Last evaluated: 2016-03-29. Review status: criteria provided, single submitter. Criteria: LMM Criteria. Collection method: clinical testing. Allele origin: germline.
Comment: Variant identified in a genome or exome case(s) and assessed due to predicted null impact of the variant or pathogenic assertions in the literature or databases. Disclaimer: This variant has not undergone full assessment. The following are preliminary notes: Frequency

PreventionGenetics, part of Exact Sciences
Classification: Benign. Review status: criteria provided, single submitter. Criteria: ACMG Guidelines, 2015. Collection method: clinical testing. Allele origin: germline.

NM_017802.4(DNAAF5):c.2228G>A (p.Arg743Lys)

Gene: DNAAF5 (dynein axonemal assembly factor 5; plus strand). Cytogenetic location: 7p22.3.
Variant type: single nucleotide variant.
Coding change: c.2228G>A on transcript NM_017802.4 (MANE Select); coding-DNA position 2228, G replaced by A.
Protein change: p.Arg743Lys; replaces arginine 743 with lysine.
Molecular consequence: missense variant. On other transcripts: non-coding transcript variant (1).
Genome position (GRCh38, 1-based): chr7:775,151, G>A. VCF-style: chr7-775151-G-A. GRCh37 (hg19) VCF-style: chr7-814788-G-A.
Other names: short protein forms R743K.
Identifiers: ClinVar variation 260932 (VCV000260932.22), dbSNP rs3922641, ClinGen allele CA4111123.
Genomic context (GRCh38, chr7:775,151, plus strand): 5'-GTATTATCAACACGTTCTTAAAAACCTCGGGCGGCATGACGGATCCAGAGAAACTCATCA[G>A]GATTTATCCTGGTAGGACATTTCTGTTGTTCACAGCCTGTGTATATGCAGTCAGCCCTCC-3'
Protein context (NP_060272.3, residues 733-753): GGMTDPEKLI[Arg743Lys]IYPELLKRLD